The following is an entry in ClinVar:

ClinVar aggregate classification (germline): Pathogenic (1 of 4 stars; one submission).

Submission:

Labcorp Genetics (formerly Invitae), Labcorp
Classification: Pathogenic. Last evaluated: 2022-03-23. Review status: criteria provided, single submitter. Criteria: Invitae Variant Classification Sherloc (09022015). Collection method: clinical testing. Allele origin: germline.
Comment: For these reasons, this variant has been classified as Pathogenic. This variant has not been reported in the literature in individuals affected with USB1-related conditions. A gross deletion of the genomic region encompassing the full coding sequence of the USB1 gene has been identified. Loss-of-function variants in USB1 are known to be pathogenic (PMID: 20817924, 25044170). The boundaries of this event are unknown as they extend beyond the assayed region for this gene and therefore may encompass additional genes.

Literature cited by the submitters: PubMed 20817924; PubMed 25044170.

NC_000016.9:g.(?_57016057)_(58768132_?)del

Genes: ADGRG1 (adhesion G protein-coupled receptor G1; plus strand), ADGRG3 (adhesion G protein-coupled receptor G3; plus strand), ADGRG5 (adhesion G protein-coupled receptor G5; plus strand), ARL2BP (ARF like GTPase 2 binding protein; plus strand), CCDC102A (coiled-coil domain containing 102A; minus strand) and 31 more. Cytogenetic location: 16q13-21.
Variant type: Deletion.
Identifiers: ClinVar variation 2426846 (VCV002426846.5).